The following is an entry in ClinVar:

ClinVar aggregate classification (germline): Uncertain significance. Review status: criteria provided, multiple submitters, no conflicts (2 of 4 stars). 3 submissions from 3 submitters: Uncertain significance (3). Last evaluated 2025-04-23.

Conditions:
Charcot-Marie-Tooth disease type 4. Also called: Charcot-Marie-Tooth disease, type IV; Charcot-Marie-Tooth, Type 4. Identifiers: Orphanet 64749, MedGen C4082197, MONDO:0018995.
Inborn genetic diseases. Identifiers: MedGen C0950123, MeSH D030342.

Allele frequency attached by ClinVar (database versions not stated): gnomAD exomes 0.00001; TOPMed 0.00001; gnomAD 0.00001.
gnomAD v4.1: 13 of 1,553,966 alleles (0.00084%); highest among the groups gnomAD compares: Non-Finnish European, 0.0011%; no homozygotes.

Submissions (3):

Women's Health and Genetics/Laboratory Corporation of America, LabCorp
Classification: Uncertain significance. Last evaluated: 2025-04-23. Review status: criteria provided, single submitter. Criteria: LabCorp Variant Classification Summary - May 2015. Collection method: clinical testing. Allele origin: germline.
Comment: Variant summary: MTMR2 c.77C>T (p.Ser26Phe) results in a non-conservative amino acid change in the encoded protein sequence. Three of five in-silico tools predict a damaging effect of the variant on protein function. The variant allele was found at a frequency of 1.3e-05 in 152648 control chromosomes. The available data on variant occurrences in the general population are insufficient to allow any conclusion about variant significance. To our knowledge, no occurrence of c.77C>T in individuals affected with Charcot-Marie-Tooth disease type 4B1 and no experimental evidence demonstrating its impact on protein function have been reported. ClinVar contains an entry for this variant (Variation ID: 857450). Based on the evidence outlined above, the variant was classified as uncertain significance.

Labcorp Genetics (formerly Invitae), Labcorp
Classification: Uncertain significance for Charcot-Marie-Tooth disease type 4. Last evaluated: 2020-09-13. Review status: criteria provided, single submitter. Criteria: Invitae Variant Classification Sherloc (09022015). Collection method: clinical testing. Allele origin: germline.
Comment: Algorithms developed to predict the effect of missense changes on protein structure and function are either unavailable or do not agree on the potential impact of this missense change (SIFT: "Tolerated"; PolyPhen-2: "Possibly Damaging"; Align-GVGD: "Class C0"). In summary, the available evidence is currently insufficient to determine the role of this variant in disease. Therefore, it has been classified as a Variant of Uncertain Significance. This variant has not been reported in the literature in individuals with MTMR2-related conditions. The frequency data for this variant in the population databases is considered unreliable, as metrics indicate insufficient coverage at this position in the ExAC database. This sequence change replaces serine with phenylalanine at codon 26 of the MTMR2 protein (p.Ser26Phe). The serine residue is moderately conserved and there is a large physicochemical difference between serine and phenylalanine.

Ambry Genetics
Classification: Uncertain significance for Inborn genetic diseases. Last evaluated: 2019-09-20. Review status: criteria provided, single submitter. Criteria: Ambry Variant Classification Scheme 2023. Collection method: clinical testing. Allele origin: germline.
Comment: The p.S26F variant (also known as c.77C>T), located in coding exon 1 of the MTMR2 gene, results from a C to T substitution at nucleotide position 77. The serine at codon 26 is replaced by phenylalanine, an amino acid with highly dissimilar properties. This amino acid position is highly conserved in available vertebrate species. In addition, the in silico prediction for this alteration is inconclusive. Since supporting evidence is limited at this time, the clinical significance of this alteration remains unclear.

NM_016156.6(MTMR2):c.77C>T (p.Ser26Phe)

Gene: MTMR2 (myotubularin related protein 2; minus strand). Cytogenetic location: 11q21.
Variant type: single nucleotide variant.
Coding change: c.77C>T on transcript NM_016156.6 (MANE Select); coding-DNA position 77, C replaced by T.
Protein change: p.Ser26Phe; replaces serine 26 with phenylalanine.
Molecular consequence: missense variant. On other transcripts: 5 prime UTR variant (3).
Genome position (GRCh38, 1-based): chr11:95,923,878, G>A on the plus strand (C>T on the coding strand, the complement: MTMR2 is on the minus strand). VCF-style: chr11-95923878-G-A. GRCh37 (hg19) VCF-style: chr11-95657042-G-A.
Other names: c.-407C>T (NM_001243571.2); c.-334C>T (NM_201278.3); c.-211C>T (NM_201281.3); short protein forms S26F.
Identifiers: ClinVar variation 857450 (VCV000857450.13), dbSNP rs1295900396, ClinGen allele CA382416063.